The following is an entry in ClinVar:

NM_022836.4(DCLRE1B):c.190-3C>G

Gene: DCLRE1B (DNA cross-link repair 1B; plus strand). Cytogenetic location: 1p13.2.
Variant type: single nucleotide variant.
Coding change: c.190-3C>G on transcript NM_022836.4 (MANE Select); 3 bases into the intron before coding-DNA position 190, C replaced by G.
Molecular consequence: intron variant.
Genome position (GRCh38, 1-based): chr1:113,906,993, C>G. VCF-style: chr1-113906993-C-G. GRCh37 (hg19) VCF-style: chr1-114449615-C-G.
Other names: c.-23-1016C>G (NM_001319947.2, NM_001319946.2, NM_001363691.2); c.190-3C>G (NM_001363690.2).
Identifiers: ClinVar variation 1491459 (VCV001491459.6), dbSNP rs1242019671, ClinGen allele CA2573130935.

ClinVar aggregate classification (germline): Uncertain significance (1 of 4 stars; one submission).

Conditions:
Hoyeraal-Hreidarsson syndrome (HHS). Also called: CEREBELLAR HYPOPLASIA WITH PANCYTOPENIA. Identifiers: Orphanet 3322, MedGen C1846142, MONDO:0018045.
Autosomal recessive dyskeratosis congenita. Identifiers: MedGen C3502105.

Submission:

Labcorp Genetics (formerly Invitae), Labcorp
Classification: Uncertain significance for Hoyeraal-Hreidarsson syndrome; Autosomal recessive dyskeratosis congenita. Last evaluated: 2022-11-08. Review status: criteria provided, single submitter. Criteria: Invitae Variant Classification Sherloc (09022015). Collection method: clinical testing. Allele origin: germline.
Comment: ClinVar contains an entry for this variant (Variation ID: 1491459). In summary, the available evidence is currently insufficient to determine the role of this variant in disease. Therefore, it has been classified as a Variant of Uncertain Significance. Variants that disrupt the consensus splice site are a relatively common cause of aberrant splicing (PMID: 17576681, 9536098). Algorithms developed to predict the effect of sequence changes on RNA splicing suggest that this variant may disrupt the consensus splice site. This variant has not been reported in the literature in individuals affected with DCLRE1B-related conditions. This variant is not present in population databases (gnomAD no frequency). This sequence change falls in intron 1 of the DCLRE1B gene. It does not directly change the encoded amino acid sequence of the DCLRE1B protein. It affects a nucleotide within the consensus splice site.

Literature cited by the submitters: PubMed 17576681; PubMed 9536098.